The following is an entry in ClinVar:

NM_000321.3(RB1):c.2154C>A (p.Asp718Glu)

Gene: RB1 (RB transcriptional corepressor 1; plus strand). Cytogenetic location: 13q14.2.
Variant type: single nucleotide variant.
Coding change: c.2154C>A on transcript NM_000321.3 (MANE Select); coding-DNA position 2154, C replaced by A.
Protein change: p.Asp718Glu; replaces aspartic acid 718 with glutamic acid.
Molecular consequence: missense variant.
Genome position (GRCh38, 1-based): chr13:48,463,778, C>A. VCF-style: chr13-48463778-C-A. GRCh37 (hg19) VCF-style: chr13-49037914-C-A.
Other names: short protein forms D718E.
Identifiers: ClinVar variation 940165 (VCV000940165.10), dbSNP rs1949419727, ClinGen allele CA388167112.

ClinVar aggregate classification (germline): Uncertain significance. Review status: criteria provided, multiple submitters, no conflicts (2 of 4 stars). 2 submissions from 2 submitters: Uncertain significance (2). Last evaluated 2024-10-12.

Conditions:
Retinoblastoma (RB1). Also called: RETINOBLASTOMA, SOMATIC. Identifiers: Orphanet 790, MedGen C0035335, MeSH D012175, MONDO:0008380, OMIM 180200, HP:0009919. Disease mechanism: loss of function. Inheritance: Both sporadic and heritable forms are tested..
Hereditary cancer-predisposing syndrome. Also called: Hereditary neoplastic syndrome; Neoplastic Syndromes, Hereditary; Tumor predisposition; Hereditary Cancer Syndrome. Identifiers: Orphanet 140162, MedGen C0027672, MeSH D009386, MONDO:0015356.

Submissions (2):

Ambry Genetics
Classification: Uncertain significance for Hereditary cancer-predisposing syndrome. Last evaluated: 2024-10-12. Review status: criteria provided, single submitter. Criteria: Ambry Variant Classification Scheme 2023. Collection method: clinical testing. Allele origin: germline.
Comment: The p.D718E variant (also known as c.2154C>A), located in coding exon 21 of the RB1 gene, results from a C to A substitution at nucleotide position 2154. The aspartic acid at codon 718 is replaced by glutamic acid, an amino acid with highly similar properties. This amino acid position is conserved. In addition, the in silico prediction for this alteration is inconclusive. Based on the available evidence, the clinical significance of this variant remains unclear.

Labcorp Genetics (formerly Invitae), Labcorp
Classification: Uncertain significance for Retinoblastoma. Last evaluated: 2019-10-02. Review status: criteria provided, single submitter. Criteria: Invitae Variant Classification Sherloc (09022015). Collection method: clinical testing. Allele origin: germline.
Comment: In summary, the available evidence is currently insufficient to determine the role of this variant in disease. Therefore, it has been classified as a Variant of Uncertain Significance. Algorithms developed to predict the effect of missense changes on protein structure and function are either unavailable or do not agree on the potential impact of this missense change (SIFT: "Deleterious"; PolyPhen-2: "Benign"; Align-GVGD: "Class C35"). This variant has not been reported in the literature in individuals with RB1-related conditions. This variant is not present in population databases (ExAC no frequency). This sequence change replaces aspartic acid with glutamic acid at codon 718 of the RB1 protein (p.Asp718Glu). The aspartic acid residue is highly conserved and there is a small physicochemical difference between aspartic acid and glutamic acid.